The following is an entry in ClinVar:

NM_002299.4(LCT):c.4866+12C>T

Gene: LCT (lactase; minus strand). Cytogenetic location: 2q21.3.
Variant type: single nucleotide variant.
Coding change: c.4866+12C>T on transcript NM_002299.4 (MANE Select); 12 bases into the intron after coding-DNA position 4866, C replaced by T.
Molecular consequence: intron variant.
Genome position (GRCh38, 1-based): chr2:135,800,595, G>A on the plus strand (C>T on the coding strand, the complement: LCT is on the minus strand). VCF-style: chr2-135800595-G-A. GRCh37 (hg19) VCF-style: chr2-136558165-G-A.
Identifiers: ClinVar variation 892986 (VCV000892986.13), dbSNP rs191207394, ClinGen allele CA1887766.

ClinVar aggregate classification (germline): Benign/Likely benign. Review status: criteria provided, multiple submitters, no conflicts (2 of 4 stars). 3 submissions from 3 submitters: Benign (1); Likely benign (2). Last evaluated 2026-01-22.

Conditions:
Congenital lactase deficiency. Also called: ALACTASIA, CONGENITAL; DISACCHARIDE INTOLERANCE II. Identifiers: Orphanet 53690, MedGen C0268179, MONDO:0009115, OMIM 223000.

Allele frequency attached by ClinVar (database versions not stated): gnomAD exomes 0.00021 and 0.00050; ExAC 0.00057; 1000 Genomes Project 30x 0.00125; 1000 Genomes Project 0.00140; ESP Exome Variant Server 0.00161; gnomAD 0.00177 and 0.00190; TOPMed 0.00199.
gnomAD v4.1: 605 of 1,607,284 alleles (0.038%); highest among the groups gnomAD compares: African/African-American, 0.67%; 3 homozygotes.

Submissions (3):

Labcorp Genetics (formerly Invitae), Labcorp
Classification: Benign. Last evaluated: 2026-01-22. Review status: criteria provided, single submitter. Criteria: Invitae Variant Classification Sherloc (09022015). Collection method: clinical testing. Allele origin: germline.

Blueprint Genetics
Classification: Likely benign. Last evaluated: 2024-11-26. Review status: criteria provided, single submitter. Criteria: ACMG Guidelines, 2015. Collection method: clinical testing. Allele origin: germline.

Illumina Laboratory Services, Illumina
Classification: Likely benign for Congenital lactase deficiency. Last evaluated: 2018-01-12. Review status: criteria provided, single submitter. Criteria: ICSL Variant Classification Criteria 13 December 2019. Collection method: clinical testing. Allele origin: germline.
Comment: This variant was observed in the ICSL laboratory as part of a predisposition screen in an ostensibly healthy population. It had not been previously curated by ICSL or reported in the Human Gene Mutation Database (HGMD: prior to June 1st, 2018), and was therefore a candidate for classification through an automated scoring system. Utilizing variant allele frequency, disease prevalence and penetrance estimates, and inheritance mode, an automated score was calculated to assess if this variant is too frequent to cause the disease. Based on the score and internal cut-off values, a variant classified as likely benign is not then subjected to further curation. The score for this variant resulted in a classification of likely benign for this disease.